The following is an entry in ClinVar:

NM_000051.4(ATM):c.7470C>G (p.Leu2490=)

Genes: ATM (ATM serine/threonine kinase; plus strand), C11orf65 (chromosome 11 open reading frame 65; minus strand). Cytogenetic location: 11q22.3.
Variant type: single nucleotide variant.
Coding change: c.7470C>G on transcript NM_000051.4 (MANE Select); coding-DNA position 7470, C replaced by G.
Protein change: p.Leu2490=; no amino-acid change (leucine 2490 retained).
Molecular consequence: synonymous variant. On other transcripts: intron variant (2).
Genome position (GRCh38, 1-based): chr11:108,330,376, C>G. VCF-style: chr11-108330376-C-G. GRCh37 (hg19) VCF-style: chr11-108201103-C-G.
Other names: c.7470C>G, p.Leu2490= (NM_001351834.2); c.641-21305G>C (NM_001330368.2); c.*38+4844G>C (NM_001351110.2).
Identifiers: ClinVar variation 383380 (VCV000383380.20), dbSNP rs1057521604, ClinGen allele CA16605824.

ClinVar aggregate classification (germline): Benign/Likely benign. Review status: criteria provided, multiple submitters, no conflicts (2 of 4 stars). 6 submissions from 6 submitters: Benign (1); Likely benign (5). Last evaluated 2025-04-12.

Conditions:
Ataxia-telangiectasia syndrome (AT). Also called: Ataxia-telangiectasia, complementation group D; Ataxia-telangiectasia, complementation group E; LOUIS-BAR SYNDROME; AT, COMPLEMENTATION GROUP C; ATAXIA-TELANGIECTASIA, COMPLEMENTATION GROUP A; ATAXIA-TELANGIECTASIA, FRESNO VARIANT. Identifiers: Orphanet 100, MedGen C0004135, MONDO:0008840, OMIM 208900.
Hereditary cancer-predisposing syndrome. Also called: Neoplastic Syndromes, Hereditary; Hereditary neoplastic syndrome; Hereditary Cancer Syndrome; Tumor predisposition. Identifiers: Orphanet 140162, MedGen C0027672, MeSH D009386, MONDO:0015356.
ATM-related disorder. Also called: ATM-related disorders; ATM-related condition.
Familial cancer of breast. Also called: hereditary breast carcinoma; Hereditary breast cancer; BREAST CANCER, FAMILIAL. Identifiers: Orphanet 227535, MedGen C0346153, MONDO:0016419, OMIM 114480. Disease mechanism: loss of function.

Allele frequency attached by ClinVar (database versions not stated): gnomAD exomes below 0.00001.
gnomAD v4.1: 1 of 1,614,168 alleles (0.000062%); highest among the groups gnomAD compares: Admixed American, 0.0017%; no homozygotes.

Submissions (6):

PreventionGenetics, part of Exact Sciences
Classification: Likely benign for ATM-related condition. Last evaluated: 2025-04-12. Review status: criteria provided, single submitter. Criteria: ACMG Guidelines, 2015. Collection method: clinical testing. Allele origin: germline.
Comment: This variant is classified as likely benign based on ACMG/AMP sequence variant interpretation guidelines (Richards et al. 2015 PMID: 25741868, with internal and published modifications).

Labcorp Genetics (formerly Invitae), Labcorp
Classification: Likely benign for Ataxia-telangiectasia syndrome. Last evaluated: 2025-02-18. Review status: criteria provided, single submitter. Criteria: Invitae Variant Classification Sherloc (09022015). Collection method: clinical testing. Allele origin: germline.

Myriad Genetics, Inc.
Classification: Benign for Familial cancer of breast. Last evaluated: 2024-06-14. Review status: criteria provided, single submitter. Criteria: Myriad Autosomal Dominant, Autosomal Recessive and X-Linked Classification Criteria (2023). Collection method: clinical testing. Allele origin: unknown.
Comment: This variant is considered benign. This variant is a silent/synonymous amino acid change and it is not expected to impact splicing.

Color Diagnostics, LLC DBA Color Health
Classification: Likely benign for Hereditary cancer-predisposing syndrome. Last evaluated: 2019-05-07. Review status: criteria provided, single submitter. Criteria: ACMG Guidelines, 2015. Collection method: clinical testing. Allele origin: germline.

Ambry Genetics
Classification: Likely benign for Hereditary cancer-predisposing syndrome. Last evaluated: 2018-04-16. Review status: criteria provided, single submitter. Criteria: Ambry Variant Classification Scheme 2023. Collection method: clinical testing. Allele origin: germline.

GeneDx
Classification: Likely benign. Last evaluated: 2016-01-26. Review status: criteria provided, single submitter. Criteria: GeneDx Variant Classification (06012015). Collection method: clinical testing. Allele origin: germline. Affected: yes.
Comment: This variant is considered likely benign or benign based on one or more of the following criteria: it is a conservative change, it occurs at a poorly conserved position in the protein, it is predicted to be benign by multiple in silico algorithms, and/or has population frequency not consistent with disease.